The following is an entry in ClinVar:

NM_004006.3(DMD):c.6290+5G>A

Gene: DMD (dystrophin; minus strand). Cytogenetic location: Xp21.1.
Variant type: single nucleotide variant.
Coding change: c.6290+5G>A on transcript NM_004006.3 (MANE Select); 5 bases into the intron after coding-DNA position 6290, G replaced by A.
Molecular consequence: intron variant.
Genome position (GRCh38, 1-based): chrX:32,287,524, C>T on the plus strand (G>A on the coding strand, the complement: DMD is on the minus strand). VCF-style: chrX-32287524-C-T. GRCh37 (hg19) VCF-style: chrX-32305641-C-T.
Other names: c.6266+5G>A (NM_000109.4); c.2267+5G>A (NM_004011.4); c.2258+5G>A (NM_004012.4); c.6278+5G>A (NM_004009.3); c.5921+5G>A (NM_004010.3).
Identifiers: ClinVar variation 286740 (VCV000286740.8), dbSNP rs886043467, ClinGen allele CA10605553.

ClinVar aggregate classification (germline): Conflicting classifications of pathogenicity. Review status: criteria provided, conflicting classifications (1 of 4 stars). 3 submissions from 3 submitters: Likely pathogenic (1); Uncertain significance (2). Last evaluated 2023-04-14.

Conditions:
Duchenne muscular dystrophy (DMD). Also called: Duchenne Muscular Dystrophy (DMD); MUSCULAR DYSTROPHY, PSEUDOHYPERTROPHIC PROGRESSIVE, DUCHENNE TYPE. Identifiers: Orphanet 98896, MedGen C0013264, MONDO:0010679, OMIM 310200.

Submissions (3):

Labcorp Genetics (formerly Invitae), Labcorp
Classification: Likely pathogenic for Duchenne muscular dystrophy. Last evaluated: 2023-04-14. Review status: criteria provided, single submitter. Criteria: Invitae Variant Classification Sherloc (09022015). Collection method: clinical testing. Allele origin: germline.
Comment: This sequence change falls in intron 43 of the DMD gene. It does not directly change the encoded amino acid sequence of the DMD protein. It affects a nucleotide within the consensus splice site. This variant is not present in population databases (gnomAD no frequency). This variant has been observed in individuals with clinical features of DMD-related conditions (PMID: 17726484; Invitae). ClinVar contains an entry for this variant (Variation ID: 286740). Variants that disrupt the consensus splice site are a relatively common cause of aberrant splicing (PMID: 17576681, 9536098). Algorithms developed to predict the effect of sequence changes on RNA splicing suggest that this variant may disrupt the consensus splice site. This variant disrupts the c.6290+5G nucleotide in the DMD gene. Other variant(s) that disrupt this nucleotide have been determined to be pathogenic (PMID: 28859693). This suggests that this nucleotide is clinically significant, and that variants that disrupt this position are likely to be disease-causing. In summary, the currently available evidence indicates that the variant is pathogenic, but additional data are needed to prove that conclusively. Therefore, this variant has been classified as Likely Pathogenic.

Athena Diagnostics
Classification: Uncertain significance. Last evaluated: 2017-05-03. Review status: criteria provided, single submitter. Criteria: Athena Diagnostics Criteria. Collection method: clinical testing. Allele origin: germline.

Eurofins Ntd Llc (ga)
Classification: Uncertain significance. Last evaluated: 2016-03-16. Review status: criteria provided, single submitter. Criteria: EGL Classification Definitions 2015. Collection method: clinical testing. Allele origin: germline. Observed: 1 variant allele, 1 hemizygote.

Literature cited by the submitters: PubMed 17726484 (cited by Labcorp Genetics (formerly Invitae), Labcorp and Athena Diagnostics); PubMed 17576681 (cited by Labcorp Genetics (formerly Invitae), Labcorp); PubMed 9536098 (cited by Labcorp Genetics (formerly Invitae), Labcorp); PubMed 28859693 (cited by Labcorp Genetics (formerly Invitae), Labcorp).